The following is an entry in ClinVar:

ClinVar aggregate classification (germline): Uncertain significance (1 of 4 stars; one submission).

Conditions:
Primary dilated cardiomyopathy (DCM). Also called: Dilated Cardiomyopathy. Identifiers: Orphanet 217604, MedGen C0007193, MeSH D002311, MONDO:0005021, HP:0001644. Inheritance: Various modes of inheritance.

Submission:

Exeter Genomics Laboratory, Royal Devon University Healthcare NHS Foundation Trust
Classification: Uncertain significance for Primary dilated cardiomyopathy. Last evaluated: 2020-06-10. Review status: criteria provided, single submitter. Criteria: ACMG Guidelines, 2015. Collection method: clinical testing. Allele origin: germline. Affected: yes.
Comment: This variant was found to be homozygous.

NM_006663.4(PPP1R13L):c.2167A>C (p.Thr723Pro)

Gene: PPP1R13L (protein phosphatase 1 regulatory subunit 13 like; minus strand). Cytogenetic location: 19q13.32.
Variant type: single nucleotide variant.
Coding change: c.2167A>C on transcript NM_006663.4 (MANE Select); coding-DNA position 2167, A replaced by C.
Protein change: p.Thr723Pro; replaces threonine 723 with proline.
Molecular consequence: missense variant.
Genome position (GRCh38, 1-based): chr19:45,385,643, T>G on the plus strand (A>C on the coding strand, the complement: PPP1R13L is on the minus strand). VCF-style: chr19-45385643-T-G. GRCh37 (hg19) VCF-style: chr19-45888901-T-G.
Other names: c.2167A>C, p.Thr723Pro (NM_001142502.2); short protein forms T723P.
Identifiers: ClinVar variation 974806 (VCV000974806.1), dbSNP rs1972850689, ClinGen allele CA406386418.